The following is an entry in ClinVar:

NM_001286445.3(RIPOR2):c.1097A>C (p.Gln366Pro)

Gene: RIPOR2 (RHO family interacting cell polarization regulator 2; minus strand). Cytogenetic location: 6p22.3.
Variant type: single nucleotide variant.
Coding change: c.1097A>C on transcript NM_001286445.3 (MANE Select); coding-DNA position 1097, A replaced by C.
Protein change: p.Gln366Pro; replaces glutamine 366 with proline.
Molecular consequence: missense variant.
Genome position (GRCh38, 1-based): chr6:24,848,092, T>G on the plus strand (A>C on the coding strand, the complement: RIPOR2 is on the minus strand). VCF-style: chr6-24848092-T-G. GRCh37 (hg19) VCF-style: chr6-24848320-T-G.
Other names: c.1112A>C, p.Gln371Pro (NM_001286446.3); c.1010A>C, p.Gln337Pro (NM_001286447.2, NM_001346031.2, NM_001346032.2 and 2 more transcripts); short protein forms Q371P, Q366P, Q337P.
Identifiers: ClinVar variation 4986345 (VCV004986345.1).

ClinVar aggregate classification (germline): Uncertain significance (1 of 4 stars; one submission).

Conditions:
RIPOR2-related disorder. Also called: RIPOR2-related condition.

gnomAD v4.1: 1 of 1,613,930 alleles (0.000062%); highest among the groups gnomAD compares: Non-Finnish European, 0.000085%; no homozygotes.

Submission:

PreventionGenetics, part of Exact Sciences
Classification: Uncertain significance for RIPOR2-related condition. Last evaluated: 2026-03-28. Review status: criteria provided, single submitter. Criteria: ACMG Guidelines, 2015. Collection method: clinical testing. Allele origin: germline.
Comment: The RIPOR2 c.1010A>C variant is predicted to result in the amino acid substitution p.Gln337Pro. To our knowledge, this variant has not been reported in the literature. This variant is reported in 0.0027% of alleles in individuals of European (Non-Finnish) descent in gnomAD. At this time, the clinical significance of this variant is uncertain due to the absence of conclusive functional and genetic evidence.